The following is an entry in ClinVar:

ClinVar aggregate classification (germline): Pathogenic (1 of 4 stars; one submission).

Conditions:
Primary ciliary dyskinesia. Also called: Ciliary dyskinesia. Identifiers: Orphanet 244, MedGen C0008780, MONDO:0016575, HP:0012265.

Submission:

Labcorp Genetics (formerly Invitae), Labcorp
Classification: Pathogenic for Primary ciliary dyskinesia. Last evaluated: 2023-10-13. Review status: criteria provided, single submitter. Criteria: Invitae Variant Classification Sherloc (09022015). Collection method: clinical testing. Allele origin: germline.
Comment: This sequence change creates a premature translational stop signal (p.Lys2794Argfs*8) in the DNAH11 gene. It is expected to result in an absent or disrupted protein product. Loss-of-function variants in DNAH11 are known to be pathogenic (PMID: 18022865, 20513915, 22184204). This variant is not present in population databases (gnomAD no frequency). This variant has not been reported in the literature in individuals affected with DNAH11-related conditions. For these reasons, this variant has been classified as Pathogenic.

Literature cited by the submitters: PubMed 18022865; PubMed 20513915; PubMed 22184204.

NM_001277115.2(DNAH11):c.8379del (p.Lys2794fs)

Gene: DNAH11 (dynein axonemal heavy chain 11; plus strand). Cytogenetic location: 7p15.3.
Variant type: Deletion.
Coding change: c.8379del on transcript NM_001277115.2 (MANE Select); coding-DNA position 8379, one base deleted (G; older notation c.8379delG).
Protein change: p.Lys2794fs; shifts the reading frame from lysine 2794.
Molecular consequence: frameshift variant.
Genome position (GRCh38, 1-based): chr7:21,744,932, G deleted; the last of 3 consecutive G bases (chr7:21,744,930-21,744,932); deleting any one gives the same sequence. VCF-style (leftmost placement, unchanged base first): chr7-21744929-AG-A. GRCh37 (hg19) VCF-style: chr7-21784547-AG-A.
Other names: c.8400delG, p.Lys2801Argfs (NM_003777.3); short protein forms K2794fs.
Identifiers: ClinVar variation 2760589 (VCV002760589.3), dbSNP rs2535119038, ClinGen allele CA2681986829.